The following is an entry in ClinVar:

Conditions:
Breast-ovarian cancer, familial, susceptibility to, 1 (BROVCA1). Also called: BRCA1 Hereditary Breast and Ovarian Cancer; OVARIAN CANCER, SUSCEPTIBILITY TO. Identifiers: Orphanet 145, MedGen C2676676, MONDO:0011450, OMIM 604370. Disease mechanism: loss of function.

Submission:

Brotman Baty Institute, University of Washington
No classification provided (evidence only). Condition: Breast-ovarian cancer, familial 1. Review status: no classification provided. Collection method: in vitro. Allele origin: not applicable. Functional consequence: functionally_abnormal.
ClinVar note: "not provided" was previously submitted as the classification for the variant. However, the classification appeared to be based only on an observation of functional data so it was converted to no classification on 2025-07-30.

NM_007294.4(BRCA1):c.135-10T>G

Gene: BRCA1 (BRCA1 DNA repair associated; minus strand). Cytogenetic location: 17q21.31.
Variant type: single nucleotide variant.
Coding change: c.135-10T>G on transcript NM_007294.4 (MANE Select); 10 bases into the intron before coding-DNA position 135, T replaced by G.
Molecular consequence: intron variant.
Genome position (GRCh38, 1-based): chr17:43,106,543, A>C on the plus strand (T>G on the coding strand, the complement: BRCA1 is on the minus strand). VCF-style: chr17-43106543-A-C. GRCh37 (hg19) VCF-style: chr17-41258560-A-C.
Other names: c.-7-10T>G (NM_001408464.1, NM_001407742.1, NM_001408498.1 and 99 more transcripts); c.135-1587T>G (NM_001408475.1, NM_001407875.1, NM_001407659.1 and 21 more transcripts); c.-54-10T>G (NM_001408509.1, NM_001408508.1, NM_001408491.1 and 58 more transcripts); c.135-10T>G (NM_001408408.1, NM_001407647.1, NM_001408446.1 and 167 more transcripts); c.-218-11683T>G (NM_001407966.1, NM_001407967.1); c.-169-1587T>G (NM_001407963.1, NM_001407960.1, NM_001407965.1 and 4 more transcripts); c.81-1587T>G (NM_001408451.1).
Identifiers: ClinVar variation 867863 (VCV000867863.3), dbSNP rs1567812492, ClinGen allele CA916080929.